The following is an entry in ClinVar:

NM_024422.6(DSC2):c.124A>T (p.Lys42Ter)

Gene: DSC2 (desmocollin 2; minus strand). Cytogenetic location: 18q12.1.
Variant type: single nucleotide variant.
Coding change: c.124A>T on transcript NM_024422.6 (MANE Select); coding-DNA position 124, A replaced by T.
Protein change: p.Lys42Ter; replaces lysine 42 with a stop codon.
Molecular consequence: nonsense. On other transcripts: 5 prime UTR variant (2).
Genome position (GRCh38, 1-based): chr18:31,093,589, T>A on the plus strand (A>T on the coding strand, the complement: DSC2 is on the minus strand). VCF-style: chr18-31093589-T-A. GRCh37 (hg19) VCF-style: chr18-28673552-T-A.
Other names: c.-306A>T (NM_001406506.1, NM_001406507.1); c.124A>T, p.Lys42Ter (NM_004949.5); short protein forms K42*.
Identifiers: ClinVar variation 4813421 (VCV004813421.1).

ClinVar aggregate classification (germline): Likely pathogenic (1 of 4 stars; one submission).

Conditions:
Arrhythmogenic right ventricular dysplasia 11. Also called: ARRHYTHMOGENIC RIGHT VENTRICULAR DYSPLASIA, FAMILIAL, 11; Arrhythmogenic Right Ventricular Dysplasia/Cardiomyopathy11; Arrhythmogenic right ventricular dysplasia 11 with mild palmoplantar keratoderma and woolly hair. Identifiers: MedGen C1864850, MONDO:0012506, OMIM 610476.

Submission:

MVZ Praenatalmedizin und Genetik Nuernberg
Classification: Likely pathogenic for Arrhythmogenic right ventricular dysplasia 11. Last evaluated: 2023-05-24. Review status: criteria provided, single submitter. Criteria: ACMG Guidelines, 2015. Collection method: clinical testing. Allele origin: maternal.
Comment: This nonsense mutation leads to a premature stop in exon 2 and another variant but with comparable effect (NM_024422.6(DSC2):c.123del) was already listed in ClinVar als pathogenic/likely pathogenic. The variant NM_024422.6:c.124A>T was therefore classified as likely pathogenic.